The following is an entry in ClinVar:

NM_001793.6(CDH3):c.158A>G (p.Lys53Arg)

Genes: CDH3 (cadherin 3; plus strand), CDH3-AS1 (CDH3 antisense RNA 1; minus strand). Cytogenetic location: 16q22.1.
Variant type: single nucleotide variant.
Coding change: c.158A>G on transcript NM_001793.6 (MANE Select); coding-DNA position 158, A replaced by G.
Protein change: p.Lys53Arg; replaces lysine 53 with arginine.
Molecular consequence: missense variant. On other transcripts: intron variant (1).
Genome position (GRCh38, 1-based): chr16:68,645,748, A>G. VCF-style: chr16-68645748-A-G. GRCh37 (hg19) VCF-style: chr16-68679651-A-G.
Other names: c.158A>G, p.Lys53Arg (NM_001317195.3); c.-6+324A>G (NM_001317196.2); short protein forms K53R.
Identifiers: ClinVar variation 2012182 (VCV002012182.4), dbSNP rs2543672163, ClinGen allele CA396455396.

ClinVar aggregate classification (germline): Uncertain significance (1 of 4 stars; one submission).

Submission:

Labcorp Genetics (formerly Invitae), Labcorp
Classification: Uncertain significance. Last evaluated: 2023-11-27. Review status: criteria provided, single submitter. Criteria: Invitae Variant Classification Sherloc (09022015). Collection method: clinical testing. Allele origin: germline.
Comment: This sequence change replaces lysine, which is basic and polar, with arginine, which is basic and polar, at codon 53 of the CDH3 protein (p.Lys53Arg). This variant is not present in population databases (gnomAD no frequency). This variant has not been reported in the literature in individuals affected with CDH3-related conditions. ClinVar contains an entry for this variant (Variation ID: 2012182). Algorithms developed to predict the effect of missense changes on protein structure and function output the following: SIFT: "Not Available"; PolyPhen-2: "Benign"; Align-GVGD: "Not Available". The arginine amino acid residue is found in multiple mammalian species, which suggests that this missense change does not adversely affect protein function. In summary, the available evidence is currently insufficient to determine the role of this variant in disease. Therefore, it has been classified as a Variant of Uncertain Significance.